The following is an entry in ClinVar:

NM_198506.5(LRIT3):c.1112C>T (p.Pro371Leu)

Gene: LRIT3 (leucine rich repeat, Ig-like and transmembrane domains 3; plus strand). Cytogenetic location: 4q25.
Variant type: single nucleotide variant.
Coding change: c.1112C>T on transcript NM_198506.5 (MANE Select); coding-DNA position 1112, C replaced by T.
Protein change: p.Pro371Leu; replaces proline 371 with leucine.
Molecular consequence: missense variant.
Genome position (GRCh38, 1-based): chr4:109,869,861, C>T. VCF-style: chr4-109869861-C-T. GRCh37 (hg19) VCF-style: chr4-110791017-C-T.
Other names: short protein forms P371L.
Identifiers: ClinVar variation 850286 (VCV000850286.6), dbSNP rs750103732, ClinGen allele CA3043130.
Genomic context (GRCh38, chr4:109,869,861, plus strand): 5'-CTCCAATACCACCAGACACTTCTGAAAGAACTGGAGATCATCCTGAGTGGGATGTCCAGC[C>T]GGGATCTGGAAGATCTACATCTGTATCTAGCGCATCATCATATCTTTGGTCCTCTTCCTT-3'
Protein context (NP_940908.3, residues 361-381): TGDHPEWDVQ[Pro371Leu]GSGRSTSVSS

ClinVar aggregate classification (germline): Uncertain significance (1 of 4 stars; one submission).

Allele frequency attached by ClinVar (database versions not stated): gnomAD exomes 0.00002; ExAC 0.00002; TOPMed below 0.00001.
gnomAD v4.1: 20 of 1,614,028 alleles (0.0012%); highest among the groups gnomAD compares: Middle Eastern, 0.049%; no homozygotes.

Submission:

Labcorp Genetics (formerly Invitae), Labcorp
Classification: Uncertain significance. Last evaluated: 2022-07-19. Review status: criteria provided, single submitter. Criteria: Invitae Variant Classification Sherloc (09022015). Collection method: clinical testing. Allele origin: germline.
Comment: This variant has not been reported in the literature in individuals affected with LRIT3-related conditions. In summary, the available evidence is currently insufficient to determine the role of this variant in disease. Therefore, it has been classified as a Variant of Uncertain Significance. Algorithms developed to predict the effect of missense changes on protein structure and function output the following: SIFT: "Deleterious"; PolyPhen-2: "Benign"; Align-GVGD: "Class C0". The leucine amino acid residue is found in multiple mammalian species, which suggests that this missense change does not adversely affect protein function. ClinVar contains an entry for this variant (Variation ID: 850286). This variant is present in population databases (rs750103732, gnomAD 0.01%). This sequence change replaces proline, which is neutral and non-polar, with leucine, which is neutral and non-polar, at codon 371 of the LRIT3 protein (p.Pro371Leu).